The following is an entry in ClinVar:

ClinVar aggregate classification (germline): Uncertain significance. Review status: criteria provided, single submitter (1 of 4 stars). 2 submissions from 2 submitters: Uncertain significance (1). 1 of the submissions does not count toward it. Last evaluated 2024-10-29.

Conditions:
Polyglandular autoimmune syndrome, type 1 (APS1). Also called: HYPOADRENOCORTICISM WITH HYPOPARATHYROIDISM AND SUPERFICIAL MONILIASIS; PGA I; Autoimmune polyendocrinopathy syndrome , type I, with or without reversible metaphyseal dysplasia; AUTOIMMUNE POLYENDOCRINE SYNDROME, TYPE I, WITH OR WITHOUT REVERSIBLE METAPHYSEAL DYSPLASIA; APS I; Autoimmune polyendocrine syndrome type 1. Identifiers: Orphanet 3453, MedGen C0085859, MONDO:0009411, OMIM 240300.

Allele frequency attached by ClinVar (database versions not stated): gnomAD exomes below 0.00001 and 0.00001; gnomAD 0.00001; TOPMed 0.00002; ExAC 0.00005; 1000 Genomes Project 30x 0.00016; 1000 Genomes Project 0.00020.
gnomAD v4.1: 5 of 1,553,532 alleles (0.00032%); highest among the groups gnomAD compares: East Asian, 0.012%; no homozygotes.

Submissions (2):

Labcorp Genetics (formerly Invitae), Labcorp
Classification: Uncertain significance for Polyglandular autoimmune syndrome, type 1. Last evaluated: 2024-10-29. Review status: criteria provided, single submitter. Criteria: Invitae Variant Classification Sherloc (09022015). Collection method: clinical testing. Allele origin: germline.
Comment: This sequence change falls in intron 4 of the AIRE gene. It does not directly change the encoded amino acid sequence of the AIRE protein. It affects a nucleotide within the consensus splice site. The frequency data for this variant in the population databases is considered unreliable, as metrics indicate poor data quality at this position in the gnomAD database. This variant has not been reported in the literature in individuals affected with AIRE-related conditions. ClinVar contains an entry for this variant (Variation ID: 652760). Variants that disrupt the consensus splice site are a relatively common cause of aberrant splicing (PMID: 17576681, 9536098). Algorithms developed to predict the effect of sequence changes on RNA splicing suggest that this variant is not likely to affect RNA splicing. In summary, the available evidence is currently insufficient to determine the role of this variant in disease. Therefore, it has been classified as a Variant of Uncertain Significance.

Natera, Inc.
Classification: Uncertain significance for Polyglandular autoimmune syndrome type 1. Last evaluated: 2020-09-16. Review status: no assertion criteria provided. Collection method: clinical testing. Allele origin: germline. Not counted in ClinVar's aggregate classification.

Literature cited by the submitters: PubMed 17576681 (cited by Labcorp Genetics (formerly Invitae), Labcorp); PubMed 9536098 (cited by Labcorp Genetics (formerly Invitae), Labcorp).

NM_000383.4(AIRE):c.538+3G>A

Gene: AIRE (autoimmune regulator; plus strand). Cytogenetic location: 21q22.3.
Variant type: single nucleotide variant.
Coding change: c.538+3G>A on transcript NM_000383.4 (MANE Select); 3 bases into the intron after coding-DNA position 538, G replaced by A.
Molecular consequence: intron variant.
Genome position (GRCh38, 1-based): chr21:44,287,594, G>A. VCF-style: chr21-44287594-G-A. GRCh37 (hg19) VCF-style: chr21-45707477-G-A.
Identifiers: ClinVar variation 652760 (VCV000652760.5), dbSNP rs557176517, ClinGen allele CA10051598.